The following is an entry in ClinVar:

NM_001042492.3(NF1):c.4884A>C (p.Leu1628Phe)

Gene: NF1 (neurofibromin 1; plus strand). Cytogenetic location: 17q11.2.
Variant type: single nucleotide variant.
Coding change: c.4884A>C on transcript NM_001042492.3 (MANE Select); coding-DNA position 4884, A replaced by C.
Protein change: p.Leu1628Phe; replaces leucine 1628 with phenylalanine.
Molecular consequence: missense variant.
Genome position (GRCh38, 1-based): chr17:31,325,868, A>C. VCF-style: chr17-31325868-A-C. GRCh37 (hg19) VCF-style: chr17-29652886-A-C.
Other names: c.4821A>C, p.Leu1607Phe (NM_000267.4); short protein forms L1607F, L1628F.
Identifiers: ClinVar variation 1370735 (VCV001370735.9), dbSNP rs2151537649, ClinGen allele CA399007030.

ClinVar aggregate classification (germline): Uncertain significance. Review status: criteria provided, multiple submitters, no conflicts (2 of 4 stars). 2 submissions from 2 submitters: Uncertain significance (2). Last evaluated 2025-04-02.

Conditions:
Neurofibromatosis, type 1 (NF1). Also called: Peripheral type neurofibromatosis; Neurofibromatosis, type I; NEUROFIBROMATOSIS, TYPE I, SOMATIC; VON RECKLINGHAUSEN DISEASE. Identifiers: Orphanet 636, MedGen C0027831, MONDO:0018975, OMIM 162200. Disease mechanism: loss of function.
Cardiovascular phenotype. Identifiers: MedGen CN230736.
Hereditary cancer-predisposing syndrome. Also called: Hereditary neoplastic syndrome; Hereditary Cancer Syndrome; Neoplastic Syndromes, Hereditary; Tumor predisposition. Identifiers: Orphanet 140162, MedGen C0027672, MeSH D009386, MONDO:0015356.

Submissions (2):

Ambry Genetics
Classification: Uncertain significance for Cardiovascular phenotype; Hereditary cancer-predisposing syndrome. Last evaluated: 2025-04-02. Review status: criteria provided, single submitter. Criteria: Ambry Variant Classification Scheme 2023. Collection method: clinical testing. Allele origin: germline.
Comment: The p.L1607F variant (also known as c.4821A>C), located in coding exon 36 of the NF1 gene, results from an A to C substitution at nucleotide position 4821. The leucine at codon 1607 is replaced by phenylalanine, an amino acid with highly similar properties. This amino acid position is highly conserved in available vertebrate species. In addition, the in silico prediction for this alteration is inconclusive. Based on the available evidence, the clinical significance of this variant remains unclear.

Labcorp Genetics (formerly Invitae), Labcorp
Classification: Uncertain significance for Neurofibromatosis, type 1. Last evaluated: 2021-05-27. Review status: criteria provided, single submitter. Criteria: Invitae Variant Classification Sherloc (09022015). Collection method: clinical testing. Allele origin: germline.
Comment: In summary, the available evidence is currently insufficient to determine the role of this variant in disease. Therefore, it has been classified as a Variant of Uncertain Significance. Advanced modeling of protein sequence and biophysical properties (such as structural, functional, and spatial information, amino acid conservation, physicochemical variation, residue mobility, and thermodynamic stability) performed at Invitae indicates that this missense variant is not expected to disrupt NF1 protein function. This variant has not been reported in the literature in individuals with NF1-related conditions. This variant is not present in population databases (ExAC no frequency). This sequence change replaces leucine with phenylalanine at codon 1607 of the NF1 protein (p.Leu1607Phe). The leucine residue is moderately conserved and there is a small physicochemical difference between leucine and phenylalanine.